The following is an entry in ClinVar:

ClinVar aggregate classification (germline): Pathogenic (1 of 4 stars; one submission).

Conditions:
Hereditary cancer-predisposing syndrome. Also called: Tumor predisposition; Hereditary neoplastic syndrome; Hereditary Cancer Syndrome; Neoplastic Syndromes, Hereditary. Identifiers: Orphanet 140162, MedGen C0027672, MeSH D009386, MONDO:0015356.

Submission:

Ambry Genetics
Classification: Pathogenic for Hereditary cancer-predisposing syndrome. Last evaluated: 2025-04-10. Review status: criteria provided, single submitter. Criteria: Ambry Variant Classification Scheme 2023. Collection method: clinical testing. Allele origin: germline.
Comment: The c.947delA pathogenic mutation, located in coding exon 10 of the RB1 gene, results from a deletion of one nucleotide at nucleotide position 947, causing a translational frameshift with a predicted alternate stop codon (p.N316Ifs*16). This variant was reported in individual(s) with features consistent with RB1-related hereditary retinoblastoma (Ambry internal data). This variant is considered to be rare based on population cohorts in the Genome Aggregation Database (gnomAD). This alteration is expected to result in loss of function by premature protein truncation or nonsense-mediated mRNA decay. As such, this alteration is interpreted as a disease-causing mutation.

NM_000321.3(RB1):c.947del (p.Asn316fs)

Gene: RB1 (RB transcriptional corepressor 1; plus strand). Cytogenetic location: 13q14.2.
Variant type: Deletion.
Coding change: c.947del on transcript NM_000321.3 (MANE Select); coding-DNA position 947, one base deleted (A; older notation c.947delA).
Protein change: p.Asn316fs; shifts the reading frame from asparagine 316.
Molecular consequence: frameshift variant.
Genome position (GRCh38, 1-based): chr13:48,367,501, A deleted; the last of 4 consecutive A bases (chr13:48,367,498-48,367,501); deleting any one gives the same sequence. VCF-style (leftmost placement, unchanged base first): chr13-48367497-GA-G. GRCh37 (hg19) VCF-style: chr13-48941633-GA-G.
Other names: c.947del, p.Asn316fs (NM_001407165.1, NM_001407166.1); short protein forms N316fs.
Identifiers: ClinVar variation 3943327 (VCV003943327.1).